The following is an entry in ClinVar:

NM_000245.4(MET):c.468G>T (p.Ser156=)

Gene: MET (MET proto-oncogene, receptor tyrosine kinase; plus strand). Cytogenetic location: 7q31.2.
Variant type: single nucleotide variant.
Coding change: c.468G>T on transcript NM_000245.4 (MANE Select); coding-DNA position 468, G replaced by T.
Protein change: p.Ser156=; no amino-acid change (serine 156 retained).
Molecular consequence: synonymous variant. On other transcripts: intron variant (1).
Genome position (GRCh38, 1-based): chr7:116,699,552, G>T. VCF-style: chr7-116699552-G-T. GRCh37 (hg19) VCF-style: chr7-116339606-G-T.
Other names: c.468G>T, p.Ser156= (NM_001127500.3, NM_001324401.3); c.-91+26975G>T (NM_001324402.2).
Identifiers: ClinVar variation 2495391 (VCV002495391.3), dbSNP rs576502224, ClinGen allele CA457447712.

ClinVar aggregate classification (germline): Benign/Likely benign. Review status: criteria provided, multiple submitters, no conflicts (2 of 4 stars). 2 submissions from 2 submitters: Benign (1); Likely benign (1). Last evaluated 2024-11-06.

Conditions:
Hereditary cancer-predisposing syndrome. Also called: Neoplastic Syndromes, Hereditary; Hereditary neoplastic syndrome; Tumor predisposition; Hereditary Cancer Syndrome. Identifiers: Orphanet 140162, MedGen C0027672, MeSH D009386, MONDO:0015356.
Papillary renal cell carcinoma type 1 (RCCP1). Also called: Renal adenocarcinoma; Renal cell carcinoma 1; Renal cell carcinoma, somatic; RENAL CELL CARCINOMA, PAPILLARY, 1, SOMATIC. Identifiers: Orphanet 47044, MedGen C1336839, OMIM 605074, HP:0011797.

Submissions (2):

Myriad Genetics, Inc.
Classification: Benign for Papillary renal cell carcinoma type 1. Last evaluated: 2024-11-06. Review status: criteria provided, single submitter. Criteria: Myriad Autosomal Dominant, Autosomal Recessive and X-Linked Classification Criteria (2023). Collection method: clinical testing. Allele origin: unknown.
Comment: This variant is considered benign. This variant is a silent/synonymous amino acid change and it is not expected to impact splicing.

Ambry Genetics
Classification: Likely benign for Hereditary cancer-predisposing syndrome. Last evaluated: 2022-12-26. Review status: criteria provided, single submitter. Criteria: Ambry Variant Classification Scheme 2023. Collection method: clinical testing. Allele origin: germline.